The following is an entry in ClinVar:

NM_001349253.2(SCN11A):c.119C>T (p.Ser40Phe)

Gene: SCN11A (sodium voltage-gated channel alpha subunit 11; minus strand). Cytogenetic location: 3p22.2.
Variant type: single nucleotide variant.
Coding change: c.119C>T on transcript NM_001349253.2 (MANE Select); coding-DNA position 119, C replaced by T.
Protein change: p.Ser40Phe; replaces serine 40 with phenylalanine.
Molecular consequence: missense variant.
Genome position (GRCh38, 1-based): chr3:38,950,244, G>A on the plus strand (C>T on the coding strand, the complement: SCN11A is on the minus strand). VCF-style: chr3-38950244-G-A. GRCh37 (hg19) VCF-style: chr3-38991735-G-A.
Other names: c.119C>T, p.Ser40Phe (NM_014139.3); short protein forms S40F.
Identifiers: ClinVar variation 2931546 (VCV002931546.3), dbSNP rs1224321638, ClinGen allele CA352176762.

ClinVar aggregate classification (germline): Uncertain significance (1 of 4 stars; one submission).

Conditions:
Hereditary sensory and autonomic neuropathy type 7. Also called: HSAN VII; Neuropathy, hereditary sensory and autonomic, type VII. Identifiers: Orphanet 391397, MedGen C3809882, MONDO:0014244, OMIM 615548.
Familial episodic pain syndrome with predominantly lower limb involvement. Also called: Episodic pain syndrome, familial, 3. Identifiers: Orphanet 391384, Orphanet 391392, MedGen C3809899, MONDO:0014247, OMIM 615552.

gnomAD v4.1: 2 of 1,614,042 alleles (0.00012%); highest among the groups gnomAD compares: Admixed American, 0.0017%; no homozygotes.

Submission:

Labcorp Genetics (formerly Invitae), Labcorp
Classification: Uncertain significance for Familial episodic pain syndrome with predominantly lower limb involvement; Hereditary sensory and autonomic neuropathy type 7. Last evaluated: 2023-12-21. Review status: criteria provided, single submitter. Criteria: Invitae Variant Classification Sherloc (09022015). Collection method: clinical testing. Allele origin: germline.
Comment: This sequence change replaces serine, which is neutral and polar, with phenylalanine, which is neutral and non-polar, at codon 40 of the SCN11A protein (p.Ser40Phe). This variant is not present in population databases (gnomAD no frequency). This variant has not been reported in the literature in individuals affected with SCN11A-related conditions. Advanced modeling of protein sequence and biophysical properties (such as structural, functional, and spatial information, amino acid conservation, physicochemical variation, residue mobility, and thermodynamic stability) performed at Invitae indicates that this missense variant is expected to disrupt SCN11A protein function with a positive predictive value of 80%. In summary, the available evidence is currently insufficient to determine the role of this variant in disease. Therefore, it has been classified as a Variant of Uncertain Significance.